The following is an entry in ClinVar:

NM_033026.6(PCLO):c.4752G>A (p.Glu1584=)

Gene: PCLO (piccolo presynaptic cytomatrix protein; minus strand). Cytogenetic location: 7q21.11.
Variant type: single nucleotide variant.
Coding change: c.4752G>A on transcript NM_033026.6 (MANE Select); coding-DNA position 4752, G replaced by A.
Protein change: p.Glu1584=; no amino-acid change (glutamic acid 1584 retained).
Molecular consequence: synonymous variant.
Genome position (GRCh38, 1-based): chr7:82,956,201, C>T on the plus strand (G>A on the coding strand, the complement: PCLO is on the minus strand). VCF-style: chr7-82956201-C-T. GRCh37 (hg19) VCF-style: chr7-82585517-C-T.
Other names: c.4752G>A, p.Glu1584= (NM_014510.3).
Identifiers: ClinVar variation 1601228 (VCV001601228.18), dbSNP rs370656832, ClinGen allele CA4320765.

ClinVar aggregate classification (germline): Benign/Likely benign. Review status: criteria provided, multiple submitters, no conflicts (2 of 4 stars). 2 submissions from 2 submitters: Benign (1); Likely benign (1). Last evaluated 2025-11-13.

Allele frequency attached by ClinVar (database versions not stated): ESP Exome Variant Server 0.00008; gnomAD exomes 0.00009 and 0.00047; 1000 Genomes Project 30x 0.00016; 1000 Genomes Project 0.00020; gnomAD 0.00021 and 0.00023; TOPMed 0.00032; ExAC 0.00041.
gnomAD v4.1: 163 of 1,610,096 alleles (0.01%); highest among the groups gnomAD compares: Admixed American, 0.2%; 1 homozygote.

Submissions (2):

Labcorp Genetics (formerly Invitae), Labcorp
Classification: Benign. Last evaluated: 2025-11-13. Review status: criteria provided, single submitter. Criteria: Invitae Variant Classification Sherloc (09022015). Collection method: clinical testing. Allele origin: germline.

CeGaT Center for Human Genetics Tuebingen
Classification: Likely benign. Last evaluated: 2025-06-01. Review status: criteria provided, single submitter. Criteria: CeGaT Center For Human Genetics Tuebingen Variant Classification Criteria Version 2. Collection method: clinical testing. Allele origin: germline. Affected: yes. Observed: 1 variant allele.
Comment: PCLO: BP4, BP7